The following is an entry in ClinVar:

NM_001193315.2(VIPAS39):c.734+7A>G

Gene: VIPAS39 (VPS33B interacting protein, apical-basolateral polarity regulator, spe-39 homolog; minus strand). Cytogenetic location: 14q24.3.
Variant type: single nucleotide variant.
Coding change: c.734+7A>G on transcript NM_001193315.2 (MANE Select); 7 bases into the intron after coding-DNA position 734, A replaced by G.
Molecular consequence: intron variant.
Genome position (GRCh38, 1-based): chr14:77,442,553, T>C on the plus strand (A>G on the coding strand, the complement: VIPAS39 is on the minus strand). VCF-style: chr14-77442553-T-C. GRCh37 (hg19) VCF-style: chr14-77908896-T-C.
Other names: c.494+7A>G (NM_001400337.1); c.587+7A>G (NM_001193316.2, NM_001400324.1, NM_001400325.1); c.641+7A>G (NM_001400333.1, NM_001400334.1); c.701+7A>G (NM_001400327.1); c.734+7A>G (NM_001400338.1, NM_001400339.1, NM_001400336.1 and 8 more transcripts).
Identifiers: ClinVar variation 3039751 (VCV003039751.4), dbSNP rs2078719414, ClinGen allele CA2148396415.

ClinVar aggregate classification (germline): Likely benign. Review status: criteria provided, single submitter (1 of 4 stars). 2 submissions from 2 submitters: Likely benign (1). 1 of the submissions does not count toward it. Last evaluated 2024-06-29.

Conditions:
VIPAS39-related disorder. Also called: VIPAS39-related condition.

Allele frequency attached by ClinVar (database versions not stated): gnomAD exomes below 0.00001; TOPMed below 0.00001.
gnomAD v4.1: 6 of 1,610,014 alleles (0.00037%); highest among the groups gnomAD compares: African/African-American, 0.0053%; no homozygotes.

Submissions (2):

Labcorp Genetics (formerly Invitae), Labcorp
Classification: Likely benign. Last evaluated: 2024-06-29. Review status: criteria provided, single submitter. Criteria: Invitae Variant Classification Sherloc (09022015). Collection method: clinical testing. Allele origin: germline.

PreventionGenetics, part of Exact Sciences
Classification: Likely benign for VIPAS39-related condition. Last evaluated: 2019-09-19. Review status: no assertion criteria provided. Collection method: clinical testing. Allele origin: germline. Not counted in ClinVar's aggregate classification.
Comment: This variant is classified as likely benign based on ACMG/AMP sequence variant interpretation guidelines (Richards et al. 2015 PMID: 25741868, with internal and published modifications).